The following is an entry in ClinVar:

NM_138694.4(PKHD1):c.131-2A>T

Gene: PKHD1 (PKHD1 ciliary IPT domain containing fibrocystin/polyductin; minus strand). Cytogenetic location: 6p12.2.
Variant type: single nucleotide variant.
Coding change: c.131-2A>T on transcript NM_138694.4 (MANE Select); the canonical splice acceptor site of the intron before coding-DNA position 131, A replaced by T.
Molecular consequence: splice acceptor variant.
Genome position (GRCh38, 1-based): chr6:52,082,544, T>A on the plus strand (A>T on the coding strand, the complement: PKHD1 is on the minus strand). VCF-style: chr6-52082544-T-A. GRCh37 (hg19) VCF-style: chr6-51947342-T-A.
Other names: c.131-2A>T (NM_170724.3).
Identifiers: ClinVar variation 1709233 (VCV001709233.2), dbSNP rs2533764689, ClinGen allele CA364440780.

ClinVar aggregate classification (germline): Likely pathogenic (1 of 4 stars; one submission).

Conditions:
Polycystic kidney disease 4 (PKD4). Also called: POLYCYSTIC KIDNEY DISEASE 4 WITH OR WITHOUT POLYCYSTIC LIVER DISEASE; POLYCYSTIC KIDNEY AND HEPATIC DISEASE 1; POLYCYSTIC KIDNEY DISEASE, INFANTILE, TYPE I; PKD3; Autosomal Recessive Polycystic Kidney Disease – PKHD1. Identifiers: MedGen C4540575, MONDO:0033004, OMIM 263200.

Submission:

MGZ Medical Genetics Center
Classification: Likely pathogenic for Polycystic kidney disease 4. Last evaluated: 2022-04-20. Review status: criteria provided, single submitter. Criteria: ACMG Guidelines, 2015. Collection method: clinical testing. Allele origin: germline. Affected: yes. Observed: 1 variant allele.
Comment: ACMG criteria applied: PVS1, PM2_SUP